The following is an entry in ClinVar:

ClinVar aggregate classification (germline): Uncertain significance (1 of 4 stars; one submission).

Conditions:
Cardiomyopathy (CMYO). Also called: Cardiomyopathies. Identifiers: Orphanet 167848, MedGen C0878544, MONDO:0004994, HP:0001638. Inheritance: Various modes of inheritance.

Submission:

Color Diagnostics, LLC DBA Color Health
Classification: Uncertain significance for Cardiomyopathy. Last evaluated: 2025-11-10. Review status: criteria provided, single submitter. Criteria: ACMG Guidelines, 2015. Collection method: clinical testing. Allele origin: germline.
Comment: This missense variant replaces glutamic acid with aspartic acid at codon 1227 of the MYH7 protein. Computational prediction is inconclusive regarding the impact of this variant on protein structure and function. To our knowledge, functional studies have not been reported for this variant. This variant has not been reported in individuals affected with MYH7-related disorders in the literature. This variant has not been identified in the general population by the Genome Aggregation Database (gnomAD). The available evidence is insufficient to determine the role of this variant in disease conclusively. Therefore, this variant is classified as a Variant of Uncertain Significance.

NM_000257.4(MYH7):c.3681G>C (p.Glu1227Asp)

Gene: MYH7 (myosin heavy chain 7; minus strand). Cytogenetic location: 14q11.2.
Variant type: single nucleotide variant.
Coding change: c.3681G>C on transcript NM_000257.4 (MANE Select); coding-DNA position 3681, G replaced by C.
Protein change: p.Glu1227Asp; replaces glutamic acid 1227 with aspartic acid.
Molecular consequence: missense variant.
Genome position (GRCh38, 1-based): chr14:23,419,890, C>G on the plus strand (G>C on the coding strand, the complement: MYH7 is on the minus strand). VCF-style: chr14-23419890-C-G. GRCh37 (hg19) VCF-style: chr14-23889099-C-G.
Other names: c.3681G>C, p.Glu1227Asp (NM_001407004.1); short protein forms E1227D.
Identifiers: ClinVar variation 4758283 (VCV004758283.1).